The following is an entry in ClinVar:

NM_001261826.3(AP3D1):c.3490T>C (p.Ser1164Pro)

Gene: AP3D1 (adaptor related protein complex 3 subunit delta 1; minus strand). Cytogenetic location: 19p13.3.
Variant type: single nucleotide variant.
Coding change: c.3490T>C on transcript NM_001261826.3 (MANE Select); coding-DNA position 3490, T replaced by C.
Protein change: p.Ser1164Pro; replaces serine 1164 with proline.
Molecular consequence: missense variant.
Genome position (GRCh38, 1-based): chr19:2,108,749, A>G on the plus strand (T>C on the coding strand, the complement: AP3D1 is on the minus strand). VCF-style: chr19-2108749-A-G. GRCh37 (hg19) VCF-style: chr19-2108748-A-G.
Other names: c.3454T>C, p.Ser1152Pro (NM_001374799.1); c.3304T>C, p.Ser1102Pro (NM_003938.8); short protein forms S1164P, S1152P, S1102P.
Identifiers: ClinVar variation 2113219 (VCV002113219.4), dbSNP rs2512121854, ClinGen allele CA403200751.

ClinVar aggregate classification (germline): Uncertain significance (1 of 4 stars; one submission).

Submission:

Labcorp Genetics (formerly Invitae), Labcorp
Classification: Uncertain significance. Last evaluated: 2022-05-18. Review status: criteria provided, single submitter. Criteria: Invitae Variant Classification Sherloc (09022015). Collection method: clinical testing. Allele origin: germline.
Comment: This sequence change replaces serine, which is neutral and polar, with proline, which is neutral and non-polar, at codon 1164 of the AP3D1 protein (p.Ser1164Pro). This variant is not present in population databases (gnomAD no frequency). This variant has not been reported in the literature in individuals affected with AP3D1-related conditions. Algorithms developed to predict the effect of missense changes on protein structure and function (SIFT, PolyPhen-2, Align-GVGD) all suggest that this variant is likely to be tolerated. In summary, the available evidence is currently insufficient to determine the role of this variant in disease. Therefore, it has been classified as a Variant of Uncertain Significance.